The following is an entry in ClinVar:

ClinVar aggregate classification (germline): Uncertain significance (1 of 4 stars; one submission).

Submission:

Illumina Laboratory Services, Illumina
Classification: Uncertain significance. Last evaluated: 2022-08-18. Review status: criteria provided, single submitter. Criteria: ICSL CNVClassificationCriteria Aug2020. Collection method: clinical testing. Allele origin: unknown. Affected: yes.
Comment: The SCN4A c.503A>T (p.Tyr168Phe) missense variant results in the substitution of tyrosine at amino acid position 168 with phenylalanine. To our knowledge, this variant has not been reported in the peer-reviewed literature. This variant is not found in version 2.1.1 or version 3.1.2 of the Genome Aggregation Database. The Tyr168 residue, located in the first transmembrane domain, is noted to be a crucial residue to the function of the voltage sensing domain, and experiments in transfected HEK293 cells showed that the p.Tyr168Phe variant destabilized the activated state of the Nav1.4 channel (PMID: 25483584). Based on the available evidence, the c.503A>T (p.Tyr168Phe) variant is classified as a variant of uncertain significance for SCN4A-related channelopathies.

Literature cited by the submitters: PubMed 25483584.

NM_000334.4(SCN4A):c.503A>T (p.Tyr168Phe)

Gene: SCN4A (sodium voltage-gated channel alpha subunit 4; minus strand). Cytogenetic location: 17q23.3.
Variant type: single nucleotide variant.
Coding change: c.503A>T on transcript NM_000334.4 (MANE Select); coding-DNA position 503, A replaced by T.
Protein change: p.Tyr168Phe; replaces tyrosine 168 with phenylalanine.
Molecular consequence: missense variant.
Genome position (GRCh38, 1-based): chr17:63,971,830, T>A on the plus strand (A>T on the coding strand, the complement: SCN4A is on the minus strand). VCF-style: chr17-63971830-T-A. GRCh37 (hg19) VCF-style: chr17-62049190-T-A.
Other names: short protein forms Y168F.
Identifiers: ClinVar variation 2429417 (VCV002429417.3), dbSNP rs2509324142, ClinGen allele CA400639274.